The following is an entry in ClinVar:

NM_000540.3(RYR1):c.7872C>T (p.Arg2624=)

Gene: RYR1 (ryanodine receptor 1; plus strand). Cytogenetic location: 19q13.2.
Variant type: single nucleotide variant.
Coding change: c.7872C>T on transcript NM_000540.3 (MANE Select); coding-DNA position 7872, C replaced by T.
Protein change: p.Arg2624=; no amino-acid change (arginine 2624 retained).
Molecular consequence: synonymous variant.
Genome position (GRCh38, 1-based): chr19:38,502,916, C>T. VCF-style: chr19-38502916-C-T. GRCh37 (hg19) VCF-style: chr19-38993556-C-T.
Other names: p.Arg2624=; c.7872C>T, p.Arg2624= (NM_001042723.2).
Identifiers: ClinVar variation 93295 (VCV000093295.34), dbSNP rs1469698, ClinGen allele CA024870.
Genomic context (GRCh38, chr19:38,502,916, plus strand): 5'-TACATCTTGTGCATTGTCCCGCAGGTACATCCGCCCGTCGATGCTGCAGCACCTGTTGCG[C>T]CGCCTGGTGTTCGACGTGCCCATCCTCAACGAGTTCGCCAAGATGCCACTCAAGGTGAGG-3'
Protein context (NP_000531.2, residues 2614-2634): IRPSMLQHLL[Arg2624=]RLVFDVPILN

ClinVar aggregate classification (germline): Benign. Review status: criteria provided, multiple submitters, no conflicts (2 of 4 stars). 16 submissions from 15 submitters: Benign (13). 3 of the submissions do not count toward it. Last evaluated 2026-02-04.

Conditions:
Congenital multicore myopathy with external ophthalmoplegia (CMYO1B). Also called: MULTIMINICORE DISEASE WITH EXTERNAL OPHTHALMOPLEGIA; MULTICORE MYOPATHY; Minicore myopathy with external ophthalmoplegia; Congenital myopathy 1B, autosomal recessive; Minicore myopathy. Identifiers: Orphanet 598, Orphanet 98905, MedGen C1850674, MONDO:0009712, OMIM 255320, HP:0003789.
Malignant hyperthermia, susceptibility to, 1 (MHS1). Also called: Malignant hyperthermia suceptibility 1; Anesthesia related hyperthermia; Malignant hyperpyrexia; Fulminating hyperpyrexia; Pharmacogenic myopathy; RYR1-Related Malignant Hyperthermia Susceptibility. Identifiers: Orphanet 423, MedGen C2930980, MONDO:0007783, OMIM 145600.
King Denborough syndrome (KDS). Identifiers: MedGen C1840365, MONDO:0020485, OMIM 619542.
Central core myopathy (CMYO1A). Also called: CONGENITAL MYOPATHY 1A, AUTOSOMAL DOMINANT, WITH SUSCEPTIBILITY TO MALIGNANT HYPERTHERMIA; Central core disease; Myopathy, central fibrillar. Identifiers: Orphanet 597, MedGen C5830701, MONDO:0007294, OMIM 117000.
Congenital myopathy with fiber type disproportion. Also called: Congenital fiber-type disproportion myopathy; Congenital fiber-type disproportion. Identifiers: Orphanet 2020, MedGen C0546264, MONDO:0009711. Inheritance: all.
RYR1-related disorder. Also called: RYR1-related condition; RYR1-related disorders. Identifiers: MedGen CN239331.

Allele frequency attached by ClinVar (database versions not stated): ESP Exome Variant Server 0.16854; gnomAD 0.17080 and 0.17268; TOPMed 0.17944; 1000 Genomes Project 0.17991; 1000 Genomes Project 30x 0.18582.
gnomAD v4.1: 215,411 of 1,611,386 alleles (13%); highest among the groups gnomAD compares: African/African-American, 28%; 16,389 homozygotes.

Submissions (16):

Labcorp Genetics (formerly Invitae), Labcorp
Classification: Benign for RYR1-related disorder. Last evaluated: 2026-02-04. Review status: criteria provided, single submitter. Criteria: Invitae Variant Classification Sherloc (09022015). Collection method: clinical testing. Allele origin: germline.

Blueprint Genetics
Classification: Benign. Last evaluated: 2024-11-28. Review status: criteria provided, single submitter. Criteria: ACMG Guidelines, 2015. Collection method: clinical testing. Allele origin: germline.

Fulgent Genetics
Classification: Benign for Central core myopathy; Malignant hyperthermia, susceptibility to, 1; Congenital myopathy 4A, autosomal dominant; Congenital multicore myopathy with external ophthalmoplegia; King Denborough syndrome. Last evaluated: 2021-08-09. Review status: criteria provided, single submitter. Criteria: ACMG Guidelines, 2015. Collection method: clinical testing. Allele origin: unknown.

Color Diagnostics, LLC DBA Color Health
Classification: Benign for Malignant hyperthermia, susceptibility to, 1. Last evaluated: 2019-03-29. Review status: criteria provided, single submitter. Criteria: ACMG Guidelines, 2015. Collection method: clinical testing. Allele origin: germline.

PreventionGenetics, part of Exact Sciences
Classification: Benign. Last evaluated: 2018-04-03. Review status: criteria provided, single submitter. Criteria: ACMG Guidelines, 2015. Collection method: clinical testing. Allele origin: germline.

Illumina Laboratory Services, Illumina
Classification: Benign for Malignant hyperthermia, susceptibility to, 1. Last evaluated: 2018-01-13. Review status: criteria provided, single submitter. Criteria: ICSL Variant Classification Criteria 13 December 2019. Collection method: clinical testing. Allele origin: germline.
Comment: This variant was observed in the ICSL laboratory as part of a predisposition screen in an ostensibly healthy population. It had not been previously curated by ICSL or reported in the Human Gene Mutation Database (HGMD: prior to June 1st, 2018), and was therefore a candidate for classification through an automated scoring system. Utilizing variant allele frequency, disease prevalence and penetrance estimates, and inheritance mode, an automated score was calculated to assess if this variant is too frequent to cause the disease. Based on the score and internal cut-off values, a variant classified as benign is not then subjected to further curation. The score for this variant resulted in a classification of benign for this disease.

Illumina Laboratory Services, Illumina
Classification: Benign for Congenital multicore myopathy with external ophthalmoplegia. Last evaluated: 2018-01-13. Review status: criteria provided, single submitter. Criteria: ICSL Variant Classification Criteria 13 December 2019. Collection method: clinical testing. Allele origin: germline.
Comment: the same text as in the submission from Illumina Laboratory Services, Illumina above.

Mayo Clinic Laboratories, Mayo Clinic
Classification: Benign. Last evaluated: 2017-07-19. Review status: criteria provided, single submitter. Criteria: ACMG Guidelines, 2015. Collection method: clinical testing. Allele origin: germline. Observed: 221 variant alleles.

GeneDx
Classification: Benign. Last evaluated: 2016-01-06. Review status: criteria provided, single submitter. Criteria: GeneDx Variant Classification (06012015). Collection method: clinical testing. Allele origin: germline. Affected: yes.
Comment: This variant is considered likely benign or benign based on one or more of the following criteria: it is a conservative change, it occurs at a poorly conserved position in the protein, it is predicted to be benign by multiple in silico algorithms, and/or has population frequency not consistent with disease.

Laboratory for Molecular Medicine, Mass General Brigham Personalized Medicine
Classification: Benign. Last evaluated: 2015-01-13. Review status: criteria provided, single submitter. Criteria: LMM Criteria. Collection method: clinical testing. Allele origin: germline. Observed: 2 variant alleles.
Comment: p.Arg2624Arg in exon 49 of RYR1: This variant is not expected to have clinical s ignificance because it does not alter an amino acid residue and is not located w ithin the splice consensus sequence. It has been identified in 27.7% (1219/4406) of African American chromosomes from a broad population by the NHLBI Exome Sequ encing Project (dbSNP rs1469698).

Eurofins Ntd Llc (ga)
Classification: Benign. Last evaluated: 2014-06-06. Review status: criteria provided, single submitter. Criteria: EGL Classification Definitions 2015. Collection method: clinical testing. Allele origin: germline. Observed: 12 variant alleles, 5 heterozygotes, 7 homozygotes.

Genetic Services Laboratory, University of Chicago
Classification: Benign. Last evaluated: 2013-08-15. Review status: criteria provided, single submitter. Criteria: ACMG Guidelines, 2007. Collection method: clinical testing. Allele origin: germline. Inheritance: Autosomal unknown.

Breakthrough Genomics
Classification: Benign. Review status: criteria provided, single submitter. Criteria: ACMG Guidelines, 2015. Collection method: not provided. Allele origin: germline. Inheritance: Autosomal recessive inheritance. Affected: yes.

Clinical Genetics, Academic Medical Center
Classification: Benign. Review status: no assertion criteria provided. Collection method: clinical testing. Allele origin: germline. Affected: yes. Study: VKGL Data-share Consensus. Not counted in ClinVar's aggregate classification.

Joint Genome Diagnostic Labs from Nijmegen and Maastricht, Radboudumc and MUMC+
Classification: Benign. Review status: no assertion criteria provided. Collection method: clinical testing. Allele origin: germline. Affected: yes. Study: VKGL Data-share Consensus. Not counted in ClinVar's aggregate classification.

RYR1 database
No classification provided. Review status: no classification provided. Collection method: not provided. Allele origin: unknown. Not counted in ClinVar's aggregate classification.